The following is an entry in ClinVar:

ClinVar aggregate classification (germline): Pathogenic/Likely pathogenic. Review status: criteria provided, multiple submitters, no conflicts (2 of 4 stars). 8 submissions from 8 submitters: Pathogenic (6); Likely pathogenic (2). Last evaluated 2025-11-19.

Conditions:
Cardiovascular phenotype. Identifiers: MedGen CN230736.
Hereditary cancer-predisposing syndrome. Also called: Tumor predisposition; Neoplastic Syndromes, Hereditary; Hereditary Cancer Syndrome; Hereditary neoplastic syndrome. Identifiers: Orphanet 140162, MedGen C0027672, MeSH D009386, MONDO:0015356.
Neurofibromatosis, type 1 (NF1). Also called: NEUROFIBROMATOSIS, TYPE I, SOMATIC; VON RECKLINGHAUSEN DISEASE; Neurofibromatosis, type I; Peripheral type neurofibromatosis. Identifiers: Orphanet 636, MedGen C0027831, MONDO:0018975, OMIM 162200. Disease mechanism: loss of function.

Submissions (8):

GeneDx
Classification: Likely pathogenic. Last evaluated: 2025-11-19. Review status: criteria provided, single submitter. Criteria: GeneDx Variant Classification Process June 2021. Collection method: clinical testing. Allele origin: germline. Affected: yes.
Comment: Canonical splice site variant predicted to result in an in-frame loss of the adjacent exon in a gene for which loss of function is a known mechanism of disease; Not observed at significant frequency in large population cohorts (gnomAD); This variant is associated with the following publications: (PMID: 18546366, 26969325, 30287823)

Labcorp Genetics (formerly Invitae), Labcorp
Classification: Pathogenic for Neurofibromatosis, type 1. Last evaluated: 2025-05-13. Review status: criteria provided, single submitter. Criteria: Invitae Variant Classification Sherloc (09022015). Collection method: clinical testing. Allele origin: germline.
Comment: This sequence change affects an acceptor splice site in intron 7 of the NF1 gene. It is expected to disrupt RNA splicing. Variants that disrupt the donor or acceptor splice site typically lead to a loss of protein function (PMID: 16199547), and loss-of-function variants in NF1 are known to be pathogenic (PMID: 10712197, 23913538). This variant is not present in population databases (gnomAD no frequency). Disruption of this splice site has been observed in individuals with clinical features of neurofibromatosis type 1 (PMID: 18546366, 19061981, 26969325). Invitae Evidence Modeling of clinical and family history, age, sex, and reported ancestry of multiple individuals with this NF1 variant has been performed. This variant is expected to be pathogenic with a positive predictive value of at least 99%. This is a validated machine learning model that incorporates the clinical features of 1,785,918 individuals referred to our laboratory for NF1 testing. ClinVar contains an entry for this variant (Variation ID: 488814). Algorithms developed to predict the effect of sequence changes on RNA splicing suggest that this variant may disrupt the consensus splice site. For these reasons, this variant has been classified as Pathogenic.

Ambry Genetics
Classification: Likely pathogenic for Cardiovascular phenotype; Hereditary cancer-predisposing syndrome. Last evaluated: 2025-03-04. Review status: criteria provided, single submitter. Criteria: Ambry Variant Classification Scheme 2023. Collection method: clinical testing. Allele origin: germline.
Comment: The c.731-1G>A intronic variant results from a G to A substitution one nucleotide upstream from coding exon 8 of the NF1 gene. Alterations that disrupt the canonical splice site are expected to result in aberrant splicing. In silico splice site analysis predicts that this alteration will weaken the native splice acceptor site and will result in the creation or strengthening of a novel splice acceptor site. A resulting transcript is predicted to be in-frame and is not expected to trigger nonsense-mediated mRNA decay and RT-PCR assay demonstrated that this variant resulted in an in-frame deletion of 3 amino acids (Pros E et al. Hum Mutat. 2008 Sep;29:E173-93). This variant was reported in individuals with features consistent with Neurofibromatosis type 1 (Hutter S et al. Hum Genet. 2016 May;135:469-475; Pros E et al. Hum Mutat. 2008 Sep;29:E173-93; Ambry internal data). Other variant(s) impacting the same acceptor site have been identified in individual(s) with features consistent with Neurofibromatosis type 1 (Zhu G et al. Orphanet J Rare Dis. 2019 Sep;14:221). This nucleotide position is highly conserved in available vertebrate species. This variant is considered to be rare based on population cohorts in the Genome Aggregation Database (gnomAD). In addition to the clinical data presented in the literature, based on the majority of available evidence to date, this variant is likely to be pathogenic.

NHS Central & South Genomic Laboratory Hub
Classification: Pathogenic for Neurofibromatosis type 1. Last evaluated: 2024-11-11. Review status: criteria provided, single submitter. Criteria: ACMG Guidelines, 2015. Collection method: clinical testing. Allele origin: germline. Affected: yes.

Quest Diagnostics Nichols Institute San Juan Capistrano
Classification: Pathogenic. Last evaluated: 2024-01-09. Review status: criteria provided, single submitter. Criteria: Quest Diagnostics criteria. Collection method: clinical testing. Allele origin: unknown.
Comment: The NF1 c.731-1G>A variant disrupts a canonical splice-acceptor site and interferes with normal NF1 mRNA splicing (PMID: 18546366 (2008)). In the published literature, this variant has been reported in individuals with Neurofibromatosis Type 1 and central nervous system tumors (PMIDs: 26969325 (2016), 18546366 (2008)). This variant has not been reported in large, multi-ethnic general populations (Genome Aggregation Database). Based on the available information, this variant is classified as pathogenic.

Genome-Nilou Lab
Classification: Pathogenic for Neurofibromatosis, type 1. Last evaluated: 2022-03-15. Review status: criteria provided, single submitter. Criteria: ACMG Guidelines, 2015. Collection method: clinical testing. Allele origin: germline. Affected: no.

MGZ Medical Genetics Center
Classification: Pathogenic for Neurofibromatosis, type 1. Last evaluated: 2021-09-27. Review status: criteria provided, single submitter. Criteria: ACMG Guidelines, 2015. Collection method: clinical testing. Allele origin: germline. Affected: yes. Observed: 1 variant allele.
Comment: ACMG criteria applied: PVS1, PS3, PS4, PM2_SUP

ARUP Laboratories, Molecular Genetics and Genomics, ARUP Laboratories
Classification: Pathogenic. Last evaluated: 2020-08-25. Review status: criteria provided, single submitter. Criteria: ARUP Molecular Germline Variant Investigation Process. Collection method: clinical testing. Allele origin: germline.
Comment: The NF1 c.731-1G>A variant (rs1555608928) is reported in the literature in an individual affected with neurofibromatosis type 1 (NF1) (Pros 2008). This variant is absent from general population databases (Exome Variant Server, Genome Aggregation Database), indicating it is not a common polymorphism. This variant abolishes the canonical splice acceptor site of intron 7, which is likely to disrupt gene function. Indeed, RNA studies from an individual with this variant shows altered splicing (Pros 2008). Other variants affecting the same splice site (c.731-1G>T; c.731-1G>C) have also been reported in individuals with NF1 and shown to affect splicing (Leskela 2009, Pros 2008). Based on available information, the c.731-1G>A variant is considered to be pathogenic. References: Leskela HV et al. Congenital pseudarthrosis of neurofibromatosis type 1: impaired osteoblast differentiation and function and altered NF1 gene expression. Bone. 2009;44(2):243-250. Pros E et al. Nature and mRNA effect of 282 different NF1 point mutations: focus on splicing alterations. Hum Mutat. 2008;29(9):E173-E193.

Literature cited by the submitters: PubMed 16199547 (cited by Labcorp Genetics (formerly Invitae), Labcorp); PubMed 10712197 (cited by Labcorp Genetics (formerly Invitae), Labcorp); PubMed 23913538 (cited by Labcorp Genetics (formerly Invitae), Labcorp); PubMed 18546366 (cited by 3 submitters); PubMed 19061981 (cited by Labcorp Genetics (formerly Invitae), Labcorp); PubMed 26969325 (cited by 3 submitters); PubMed 31533797 (cited by Ambry Genetics).

NM_001042492.3(NF1):c.731-1G>A

Gene: NF1 (neurofibromin 1; plus strand). Cytogenetic location: 17q11.2.
Variant type: single nucleotide variant.
Coding change: c.731-1G>A on transcript NM_001042492.3 (MANE Select); the canonical splice acceptor site of the intron before coding-DNA position 731, G replaced by A.
Molecular consequence: splice acceptor variant.
Genome position (GRCh38, 1-based): chr17:31,182,507, G>A. VCF-style: chr17-31182507-G-A. GRCh37 (hg19) VCF-style: chr17-29509525-G-A.
Other names: c.731-1G>A (NM_000267.4, NM_001128147.3).
Identifiers: ClinVar variation 488814 (VCV000488814.24), dbSNP rs1555608928, ClinGen allele CA398990442.